The following is an entry in ClinVar:

ClinVar aggregate classification (germline): Uncertain significance (1 of 4 stars; one submission).

Conditions:
Catecholaminergic polymorphic ventricular tachycardia 1. Also called: VENTRICULAR TACHYCARDIA, CATECHOLAMINERGIC POLYMORPHIC, 1, WITH OR WITHOUT ATRIAL DYSFUNCTION AND/OR DILATED CARDIOMYOPATHY; RYR2-Related Catecholaminergic Polymorphic Ventricular Tachycardia; VENTRICULAR TACHYCARDIA, STRESS-INDUCED POLYMORPHIC 1. Identifiers: Orphanet 3286, MedGen C1631597, MONDO:0011484, OMIM 604772.

Submission:

Labcorp Genetics (formerly Invitae), Labcorp
Classification: Uncertain significance for Catecholaminergic polymorphic ventricular tachycardia 1. Last evaluated: 2019-10-24. Review status: criteria provided, single submitter. Criteria: Invitae Variant Classification Sherloc (09022015). Collection method: clinical testing. Allele origin: germline.
Comment: This sequence change replaces leucine with arginine at codon 3061 of the RYR2 protein (p.Leu3061Arg). The leucine residue is highly conserved and there is a moderate physicochemical difference between leucine and arginine. In summary, the available evidence is currently insufficient to determine the role of this variant in disease. Therefore, it has been classified as a Variant of Uncertain Significance. Algorithms developed to predict the effect of missense changes on protein structure and function are either unavailable or do not agree on the potential impact of this missense change (SIFT: "Deleterious"; PolyPhen-2: "Benign"; Align-GVGD: "Class C65"). This variant has not been reported in the literature in individuals with RYR2-related conditions. This variant is not present in population databases (ExAC no frequency).

NM_001035.3(RYR2):c.9182T>G (p.Leu3061Arg)

Gene: RYR2 (ryanodine receptor 2; plus strand). Cytogenetic location: 1q43.
Variant type: single nucleotide variant.
Coding change: c.9182T>G on transcript NM_001035.3 (MANE Select); coding-DNA position 9182, T replaced by G.
Protein change: p.Leu3061Arg; replaces leucine 3061 with arginine.
Molecular consequence: missense variant.
Genome position (GRCh38, 1-based): chr1:237,700,282, T>G. VCF-style: chr1-237700282-T-G. GRCh37 (hg19) VCF-style: chr1-237863582-T-G.
Other names: short protein forms L3061R.
Identifiers: ClinVar variation 968413 (VCV000968413.11), dbSNP rs1687852877, ClinGen allele CA345405575.
Genomic context (GRCh38, chr1:237,700,282, plus strand): 5'-TTTCTAGGACAGTGATGAAGACTGGCCTGGAGAGTGTTAAAAGTGCACTCAGAGCTTTTC[T>G]GGACAACGCTGCAGAGGATCTGGAGAAGACCATGGAAAACCTCAAGCAGGGCCAGTTCAC-3'
Protein context (NP_001026.2, residues 3051-3071): ESVKSALRAF[Leu3061Arg]DNAAEDLEKT